The following is an entry in ClinVar:

ClinVar aggregate classification (germline): Conflicting classifications of pathogenicity. Review status: criteria provided, conflicting classifications (1 of 4 stars). 9 submissions from 9 submitters: Uncertain significance (2); Benign (2); Likely benign (4). 1 of the submissions does not count toward it. Last evaluated 2026-02-03.

Conditions:
SMARCA4-related disorder. Also called: SMARCA4-related condition.
Coffin-Siris syndrome. Identifiers: Orphanet 1465, MedGen C0265338, MONDO:0015452.
Hereditary cancer-predisposing syndrome. Also called: Hereditary neoplastic syndrome; Tumor predisposition; Hereditary Cancer Syndrome; Neoplastic Syndromes, Hereditary. Identifiers: Orphanet 140162, MedGen C0027672, MeSH D009386, MONDO:0015356.
Intellectual disability, autosomal dominant 16 (CSS4). Also called: COFFIN-SIRIS SYNDROME 4. Identifiers: Orphanet 1465, MedGen C3553249, MONDO:0013821, OMIM 614609.
Rhabdoid tumor predisposition syndrome 2 (RTPS2). Identifiers: Orphanet 231108, Orphanet 69077, MedGen C2750074, MONDO:0013224, OMIM 613325.

Allele frequency attached by ClinVar (database versions not stated): gnomAD exomes 0.00008; ExAC 0.00011; gnomAD 0.00023 and 0.00026; TOPMed 0.00024; ESP Exome Variant Server 0.00038.
gnomAD v4.1: 87 of 1,613,674 alleles (0.0054%); highest among the groups gnomAD compares: African/African-American, 0.075%; no homozygotes.

Submissions (9):

Labcorp Genetics (formerly Invitae), Labcorp
Classification: Likely benign for Rhabdoid tumor predisposition syndrome 2. Last evaluated: 2026-02-03. Review status: criteria provided, single submitter. Criteria: Invitae Variant Classification Sherloc (09022015). Collection method: clinical testing. Allele origin: germline.

GeneDx
Classification: Uncertain significance. Last evaluated: 2025-10-27. Review status: criteria provided, single submitter. Criteria: GeneDx Variant Classification Process June 2021. Collection method: clinical testing. Allele origin: germline. Affected: yes.
Comment: In silico analysis suggests that this missense variant does not alter protein structure/function; Has not been previously published as pathogenic or benign to our knowledge; This variant is associated with the following publications: (PMID: 29641532)

Quest Diagnostics Nichols Institute San Juan Capistrano
Classification: Likely benign. Last evaluated: 2024-12-24. Review status: criteria provided, single submitter. Criteria: Quest Diagnostics criteria. Collection method: clinical testing. Allele origin: unknown.

Ambry Genetics
Classification: Benign for Hereditary cancer-predisposing syndrome. Last evaluated: 2024-06-28. Review status: criteria provided, single submitter. Criteria: Ambry Variant Classification Scheme 2023. Collection method: clinical testing. Allele origin: germline.

Genome-Nilou Lab
Classification: Likely benign for Intellectual disability, autosomal dominant 16. Last evaluated: 2021-07-15. Review status: criteria provided, single submitter. Criteria: ACMG Guidelines, 2015. Collection method: clinical testing. Allele origin: germline. Affected: no.

St. Jude Molecular Pathology, St. Jude Children's Research Hospital
Classification: Likely benign for Rhabdoid tumor predisposition syndrome 2. Last evaluated: 2021-01-06. Review status: criteria provided, single submitter. Criteria: St. Jude Assertion Criteria 2020. Collection method: clinical testing. Allele origin: germline.
Comment: The SMARCA4 c.442G>A (p.Gly148Arg) missense change has a maximum subpopulation frequency of 0.077% in gnomAD v3.1. This population frequency is higher than expected for a pathogenic variant in SMARCA4 causing Rhabdoid Tumor Predisposition Syndrome (BS1). In silico tools predict a deleterious effect on the gene or protein function (PP3), however to our knowledge these predictions have not been confirmed by functional studies. In summary, this variant meets criteria to be classified as likely benign based on the ACMG/AMP criteria: BS1, BP5, PP3.

Revvity Omics, Revvity
Classification: Uncertain significance for Intellectual disability, autosomal dominant 16. Last evaluated: 2020-06-02. Review status: criteria provided, single submitter. Criteria: ACMG Guidelines, 2015. Collection method: clinical testing. Allele origin: germline.

Illumina Laboratory Services, Illumina
Classification: Benign for Coffin-Siris syndrome. Last evaluated: 2018-01-12. Review status: criteria provided, single submitter. Criteria: ICSL Variant Classification Criteria 13 December 2019. Collection method: clinical testing. Allele origin: germline.
Comment: This variant was observed in the ICSL laboratory as part of a predisposition screen in an ostensibly healthy population. It had not been previously curated by ICSL or reported in the Human Gene Mutation Database (HGMD: prior to June 1st, 2018), and was therefore a candidate for classification through an automated scoring system. Utilizing variant allele frequency, disease prevalence and penetrance estimates, and inheritance mode, an automated score was calculated to assess if this variant is too frequent to cause the disease. Based on the score and internal cut-off values, a variant classified as benign is not then subjected to further curation. The score for this variant resulted in a classification of benign for this disease.

PreventionGenetics, part of Exact Sciences
Classification: Likely benign for SMARCA4-related condition. Last evaluated: 2022-10-06. Review status: no assertion criteria provided. Collection method: clinical testing. Allele origin: germline. Not counted in ClinVar's aggregate classification.
Comment: This variant is classified as likely benign based on ACMG/AMP sequence variant interpretation guidelines (Richards et al. 2015 PMID: 25741868, with internal and published modifications).

Literature cited by the submitters: PubMed 29641532 (cited by Quest Diagnostics Nichols Institute San Juan Capistrano); PubMed 34301788 (cited by Quest Diagnostics Nichols Institute San Juan Capistrano); PubMed 24448499 (cited by Ambry Genetics).

NM_003072.5(SMARCA4):c.442G>A (p.Gly148Arg)

Gene: SMARCA4 (SWI/SNF related BAF chromatin remodeling complex subunit ATPase 4; plus strand). Cytogenetic location: 19p13.2.
Variant type: single nucleotide variant.
Coding change: c.442G>A on transcript NM_003072.5 (MANE Select); coding-DNA position 442, G replaced by A.
Protein change: p.Gly148Arg; replaces glycine 148 with arginine.
Molecular consequence: missense variant. On other transcripts: non-coding transcript variant (1).
Genome position (GRCh38, 1-based): chr19:10,986,275, G>A. VCF-style: chr19-10986275-G-A. GRCh37 (hg19) VCF-style: chr19-11096951-G-A.
Other names: c.442G>A, p.Gly148Arg (NM_001128844.3, NM_001128845.2, NM_001128846.2 and 5 more transcripts); short protein forms G148R.
Identifiers: ClinVar variation 220638 (VCV000220638.36), dbSNP rs138689221, ClinGen allele CA348674.
Genomic context (GRCh38, chr19:10,986,275, plus strand): 5'-GAGCATGCCTCTAGTCCAGTTCCAGCCAGTGGCCCGTCTTCGGGGCCCCAGATGTCTTCC[G>A]GGCCAGGAGGTGCCCCGCTGGATGGTGCTGACCCCCAGGCCTTGGGGCAGCAGAACCGGG-3'
Protein context (NP_003063.2, residues 138-158): GPSSGPQMSS[Gly148Arg]PGGAPLDGAD